The following is an entry in ClinVar:

NM_020433.5(JPH2):c.717G>A (p.Val239=)

Gene: JPH2 (junctophilin 2; minus strand). Cytogenetic location: 20q13.12.
Variant type: single nucleotide variant.
Coding change: c.717G>A on transcript NM_020433.5 (MANE Select); coding-DNA position 717, G replaced by A.
Protein change: p.Val239=; no amino-acid change (valine 239 retained).
Molecular consequence: synonymous variant.
Genome position (GRCh38, 1-based): chr20:44,160,070, C>T on the plus strand (G>A on the coding strand, the complement: JPH2 is on the minus strand). VCF-style: chr20-44160070-C-T. GRCh37 (hg19) VCF-style: chr20-42788710-C-T.
Identifiers: ClinVar variation 513571 (VCV000513571.1), dbSNP rs1555858753, ClinGen allele CA510739288.

ClinVar aggregate classification (germline): Likely benign (1 of 4 stars; one submission).

Allele frequency attached by ClinVar (database versions not stated): gnomAD exomes below 0.00001.
gnomAD v4.1: 2 of 1,537,570 alleles (0.00013%); highest among the groups gnomAD compares: Non-Finnish European, 0.00017%; no homozygotes.

Submission:

GeneDx
Classification: Likely benign. Last evaluated: 2017-11-27. Review status: criteria provided, single submitter. Criteria: GeneDx Variant Classification (06012015). Collection method: clinical testing. Allele origin: germline. Affected: yes.
Comment: This variant is considered likely benign or benign based on one or more of the following criteria: it is a conservative change, it occurs at a poorly conserved position in the protein, it is predicted to be benign by multiple in silico algorithms, and/or has population frequency not consistent with disease.